The following is an entry in ClinVar:

NM_033380.3(COL4A5):c.3115G>T (p.Gly1039Cys)

Gene: COL4A5 (collagen type IV alpha 5 chain; plus strand). Cytogenetic location: Xq22.3.
Variant type: single nucleotide variant.
Coding change: c.3115G>T on transcript NM_033380.3 (MANE Select); coding-DNA position 3115, G replaced by T.
Protein change: p.Gly1039Cys; replaces glycine 1039 with cysteine.
Molecular consequence: missense variant.
Genome position (GRCh38, 1-based): chrX:108,626,218, G>T. VCF-style: chrX-108626218-G-T. GRCh37 (hg19) VCF-style: chrX-107869448-G-T.
Other names: c.3115G>T, p.Gly1039Cys (NM_000495.5); short protein forms G1039C.
Identifiers: ClinVar variation 2636792 (VCV002636792.2), dbSNP rs104886214, ClinGen allele CA413854859.

ClinVar aggregate classification (germline): Likely pathogenic (1 of 4 stars; one submission).

Conditions:
COL4A5-related disorder. Also called: COL4A5-related condition.

Submission:

PreventionGenetics, part of Exact Sciences
Classification: Likely pathogenic for COL4A5-related condition. Last evaluated: 2025-09-16. Review status: criteria provided, single submitter. Criteria: ACMG Guidelines, 2015. Collection method: clinical testing. Allele origin: germline.
Comment: The COL4A5 c.3115G>T variant is predicted to result in the amino acid substitution p.Gly1039Cys. The p.Gly1039 residue resides in the triple-helical region (residues 42 – 1456) of the COL4A5 protein. The majority of pathogenic variants in COL4A5 substitute a glycine residue to a bulkier amino acid in the triple-helical domain (Hudson et al. 1993. PubMed ID: 8253711).To our knowledge, this variant has not been reported in the literature or in a large population database (gnomAD), indicating this variant is rare. At PreventionGenetics, we have observed this variant in two family members with features of COL4A5-related disorders (internal data). A different amino acid change at this position (p.Gly1039Ser) was previously reported in an individual with Alport syndrome (Knebelmann et al. 1996. PubMed ID: 8940267). This variant is interpreted as likely pathogenic.